The following is an entry in ClinVar:

NM_000388.4(CASR):c.308C>T (p.Thr103Ile)

Gene: CASR (calcium sensing receptor; plus strand). Cytogenetic location: 3q21.1.
Variant type: single nucleotide variant.
Coding change: c.308C>T on transcript NM_000388.4 (MANE Select); coding-DNA position 308, C replaced by T.
Protein change: p.Thr103Ile; replaces threonine 103 with isoleucine.
Molecular consequence: missense variant.
Genome position (GRCh38, 1-based): chr3:122,257,203, C>T. VCF-style: chr3-122257203-C-T. GRCh37 (hg19) VCF-style: chr3-121976050-C-T.
Other names: c.308C>T, p.Thr103Ile (NM_001178065.2); short protein forms T103I.
Identifiers: ClinVar variation 463947 (VCV000463947.17), dbSNP rs199734455, ClinGen allele CA2569458.

ClinVar aggregate classification (germline): Conflicting classifications of pathogenicity. Review status: criteria provided, conflicting classifications (1 of 4 stars). 6 submissions from 6 submitters: Uncertain significance (4); Benign (1); Likely benign (1). Last evaluated 2025-12-15.

Conditions:
Epilepsy, idiopathic generalized, susceptibility to, 8. Identifiers: MedGen C2752062, MONDO:0013032, OMIM 612899.
Autosomal dominant hypocalcemia 1 (HYPOC1). Also called: HYPOCALCEMIA, FAMILIAL. Identifiers: MedGen C3715128, MONDO:0011013, OMIM 601198.
Familial hypocalciuric hypercalcemia 1. Also called: Hypercalcemia, familial benign type 1. Identifiers: Orphanet 405, Orphanet 93372, MedGen C0342637, MONDO:0007791, OMIM 145980.
Neonatal severe primary hyperparathyroidism. Identifiers: Orphanet 417, MedGen C1832615, MONDO:0009397, OMIM 239200.
Familial hypocalciuric hypercalcemia (FHH). Also called: Familial benign hypercalcemia. Identifiers: Orphanet 405, MedGen C1809471, MONDO:0018458.
Nephrolithiasis/nephrocalcinosis. Identifiers: MedGen CN580796.

Allele frequency attached by ClinVar (database versions not stated): gnomAD exomes below 0.00001 and 0.00002; ExAC 0.00002; gnomAD 0.00004 and 0.00005; TOPMed 0.00004; 1000 Genomes Project 30x 0.00016; 1000 Genomes Project 0.00020.
gnomAD v4.1: 23 of 1,614,196 alleles (0.0014%); highest among the groups gnomAD compares: East Asian, 0.013%; no homozygotes.

Submissions (6):

Women's Health and Genetics/Laboratory Corporation of America, LabCorp
Classification: Likely benign. Last evaluated: 2025-12-15. Review status: criteria provided, single submitter. Criteria: LabCorp Variant Classification Summary - May 2015. Collection method: clinical testing. Allele origin: germline.
Comment: Variant summary: CASR c.308C>T (p.Thr103Ile) results in a non-conservative amino acid change in the encoded protein sequence. Algorithms developed to predict the effect of missense changes on protein structure and function all suggest that this variant is likely to be disruptive. The variant allele was found at a frequency of 1.4e-05 in 1614196 control chromosomes. The observed variant frequency exceeds the estimated maximal expected allele frequency for disease-causing variants in CASR. To our knowledge, no occurrence of c.308C>T in individuals affected with CASR-related conditions and no experimental evidence demonstrating its impact on protein function have been reported. ClinVar contains an entry for this variant (Variation ID: 463947). Based on the evidence outlined above, the variant was classified as likely benign.

Labcorp Genetics (formerly Invitae), Labcorp
Classification: Benign for Familial hypocalciuric hypercalcemia; Autosomal dominant hypocalcemia 1. Last evaluated: 2025-11-09. Review status: criteria provided, single submitter. Criteria: Invitae Variant Classification Sherloc (09022015). Collection method: clinical testing. Allele origin: germline.

Ambry Genetics
Classification: Uncertain significance for Nephrolithiasis/nephrocalcinosis. Last evaluated: 2024-06-07. Review status: criteria provided, single submitter. Criteria: Ambry Variant Classification Scheme 2023. Collection method: clinical testing. Allele origin: germline.
Comment: The p.T103I variant (also known as c.308C>T), located in coding exon 2 of the CASR gene, results from a C to T substitution at nucleotide position 308. The threonine at codon 103 is replaced by isoleucine, an amino acid with similar properties. This amino acid position is highly conserved in available vertebrate species. In addition, this alteration is predicted to be deleterious by in silico analysis. Based on the available evidence, the clinical significance of this variant remains unclear.

Blueprint Genetics
Classification: Uncertain significance. Last evaluated: 2024-05-16. Review status: criteria provided, single submitter. Criteria: ACMG Guidelines, 2015. Collection method: clinical testing. Allele origin: germline.

Fulgent Genetics
Classification: Uncertain significance for Familial hypocalciuric hypercalcemia 1; Neonatal severe primary hyperparathyroidism; Autosomal dominant hypocalcemia 1; Epilepsy, idiopathic generalized, susceptibility to, 8. Last evaluated: 2022-03-04. Review status: criteria provided, single submitter. Criteria: ACMG Guidelines, 2015. Collection method: clinical testing. Allele origin: unknown.

Athena Diagnostics
Classification: Uncertain significance. Last evaluated: 2019-07-24. Review status: criteria provided, single submitter. Criteria: Athena Diagnostics Criteria. Collection method: clinical testing. Allele origin: germline.